The following is an entry in ClinVar:

ClinVar aggregate classification (germline): Pathogenic (1 of 4 stars; one submission).

Submission:

GeneDx
Classification: Pathogenic. Last evaluated: 2025-01-27. Review status: criteria provided, single submitter. Criteria: GeneDx Variant Classification Process June 2021. Collection method: clinical testing. Allele origin: germline. Affected: yes.
Comment: Not observed at significant frequency in large population cohorts (gnomAD); Missense variants in this gene are a common cause of disease and they are underrepresented in the general population; In silico analysis supports that this missense variant has a deleterious effect on protein structure/function; Has not been previously published as pathogenic or benign to our knowledge; This variant is associated with the following publications: (PMID: 20829227)

NM_006086.4(TUBB3):c.845G>C (p.Arg282Pro)

Gene: TUBB3 (tubulin beta 3 class III; plus strand). Cytogenetic location: 16q24.3.
Variant type: single nucleotide variant.
Coding change: c.845G>C on transcript NM_006086.4 (MANE Select); coding-DNA position 845, G replaced by C.
Protein change: p.Arg282Pro; replaces arginine 282 with proline.
Molecular consequence: missense variant.
Genome position (GRCh38, 1-based): chr16:89,935,296, G>C. VCF-style: chr16-89935296-G-C. GRCh37 (hg19) VCF-style: chr16-90001704-G-C.
Other names: c.629G>C, p.Arg210Pro (NM_001197181.2); short protein forms R210P, R282P.
Identifiers: ClinVar variation 421587 (VCV000421587.3), dbSNP rs1064795231, ClinGen allele CA16620315.